The following is an entry in ClinVar:

ClinVar aggregate classification (germline): Conflicting classifications of pathogenicity. Review status: criteria provided, conflicting classifications (1 of 4 stars). 2 submissions from 2 submitters: Uncertain significance (1); Likely benign (1). Last evaluated 2022-08-16.

Allele frequency attached by ClinVar (database versions not stated): gnomAD exomes 0.00002; ESP Exome Variant Server 0.00008; gnomAD 0.00015 and 0.00016; TOPMed 0.00022.
gnomAD v4.1: 55 of 1,590,376 alleles (0.0035%); highest among the groups gnomAD compares: African/African-American, 0.043%; no homozygotes.

Submissions (2):

Labcorp Genetics (formerly Invitae), Labcorp
Classification: Uncertain significance. Last evaluated: 2022-08-16. Review status: criteria provided, single submitter. Criteria: Invitae Variant Classification Sherloc (09022015). Collection method: clinical testing. Allele origin: germline.
Comment: This sequence change falls in intron 3 of the RARS2 gene. It does not directly change the encoded amino acid sequence of the RARS2 protein. It affects a nucleotide within the consensus splice site. This variant is present in population databases (rs369852737, gnomAD 0.03%). This variant has not been reported in the literature in individuals affected with RARS2-related conditions. ClinVar contains an entry for this variant (Variation ID: 1194391). Variants that disrupt the consensus splice site are a relatively common cause of aberrant splicing (PMID: 17576681, 9536098). Algorithms developed to predict the effect of sequence changes on RNA splicing suggest that this variant is not likely to affect RNA splicing. In summary, the available evidence is currently insufficient to determine the role of this variant in disease. Therefore, it has been classified as a Variant of Uncertain Significance.

GeneDx
Classification: Likely benign. Last evaluated: 2020-02-05. Review status: criteria provided, single submitter. Criteria: GeneDx Variant Classification Process June 2021. Collection method: clinical testing. Allele origin: germline. Affected: yes.

Literature cited by the submitters: PubMed 17576681 (cited by Labcorp Genetics (formerly Invitae), Labcorp); PubMed 9536098 (cited by Labcorp Genetics (formerly Invitae), Labcorp).

NM_020320.5(RARS2):c.213+5G>A

Gene: RARS2 (arginyl-tRNA synthetase 2, mitochondrial; minus strand). Cytogenetic location: 6q15.
Variant type: single nucleotide variant.
Coding change: c.213+5G>A on transcript NM_020320.5 (MANE Select); 5 bases into the intron after coding-DNA position 213, G replaced by A.
Molecular consequence: intron variant.
Genome position (GRCh38, 1-based): chr6:87,564,125, C>T on the plus strand (G>A on the coding strand, the complement: RARS2 is on the minus strand). VCF-style: chr6-87564125-C-T. GRCh37 (hg19) VCF-style: chr6-88273843-C-T.
Other names: c.213+5G>A (NM_001350505.2); c.-257+5G>A (NM_001350509.2, NM_001318785.2); c.-313+5G>A (NM_001350506.2, NM_001350510.2, NM_001350511.2 and 1 more transcripts); c.-475+5G>A (NM_001350508.2).
Identifiers: ClinVar variation 1194391 (VCV001194391.4), dbSNP rs369852737, ClinGen allele CA3916728.